The following is an entry in ClinVar:

NM_006005.3(WFS1):c.873C>G (p.Tyr291Ter)

Gene: WFS1 (wolframin ER transmembrane glycoprotein; plus strand). Cytogenetic location: 4p16.1.
Variant type: single nucleotide variant.
Coding change: c.873C>G on transcript NM_006005.3 (MANE Select); coding-DNA position 873, C replaced by G.
Protein change: p.Tyr291Ter; replaces tyrosine 291 with a stop codon.
Molecular consequence: nonsense.
Genome position (GRCh38, 1-based): chr4:6,300,668, C>G. VCF-style: chr4-6300668-C-G. GRCh37 (hg19) VCF-style: chr4-6302395-C-G.
Other names: c.873C>G, p.Tyr291Ter (NM_001145853.1); short protein forms Y291*.
Identifiers: ClinVar variation 212616 (VCV000212616.7), dbSNP rs777580652, ClinGen allele CA276989.

ClinVar aggregate classification (germline): Pathogenic. Review status: criteria provided, multiple submitters, no conflicts (2 of 4 stars). 2 submissions from 2 submitters: Pathogenic (2). Last evaluated 2025-02-17.

Conditions:
Wolfram syndrome. Also called: DIDMOAD (Diabetes Insipidus, Diabetes Mellitus, Optic Atrophy, and Deafness); Diabetes mellitus AND insipidus with optic atrophy AND deafness. Identifiers: Orphanet 3463, MedGen C0043207, MONDO:0018105.

gnomAD v4.1: 1 of 1,613,976 alleles (0.000062%); highest among the groups gnomAD compares: Non-Finnish European, 0.000085%; no homozygotes.

Submissions (2):

GeneDx
Classification: Pathogenic. Last evaluated: 2025-02-17. Review status: criteria provided, single submitter. Criteria: GeneDx Variant Classification Process June 2021. Collection method: clinical testing. Allele origin: germline. Affected: yes.
Comment: Nonsense variant predicted to result in protein truncation or nonsense mediated decay in a gene for which loss of function is a known mechanism of disease; This variant is associated with the following publications: (PMID: 38821874, 14724730)

Genetic Services Laboratory, University of Chicago
Classification: Pathogenic for Wolfram syndrome. Last evaluated: 2015-06-24. Review status: criteria provided, single submitter. Criteria: ACMG Guidelines, 2015. Collection method: clinical testing. Allele origin: germline. Affected: yes.